The following is an entry in ClinVar:

ClinVar aggregate classification (germline): Pathogenic (1 of 4 stars; one submission).

Conditions:
LAMA2-related muscular dystrophy (LAMA2-RD). Also called: Laminin alpha 2-related dystrophy. Identifiers: MedGen C5679788, MONDO:0100228.

Submission:

Labcorp Genetics (formerly Invitae), Labcorp
Classification: Pathogenic for LAMA2-related muscular dystrophy. Last evaluated: 2023-10-13. Review status: criteria provided, single submitter. Criteria: Invitae Variant Classification Sherloc (09022015). Collection method: clinical testing. Allele origin: germline.
Comment: This sequence change creates a premature translational stop signal (p.Gln82*) in the LAMA2 gene. It is expected to result in an absent or disrupted protein product. Loss-of-function variants in LAMA2 are known to be pathogenic (PMID: 18700894, 32904964). This variant is not present in population databases (gnomAD no frequency). This premature translational stop signal has been observed in individual(s) with LAMA2-related conditions (PMID: 32266982). ClinVar contains an entry for this variant (Variation ID: 1929388). For these reasons, this variant has been classified as Pathogenic.

Literature cited by the submitters: PubMed 18700894; PubMed 32904964; PubMed 32266982.

NM_000426.4(LAMA2):c.244C>T (p.Gln82Ter)

Gene: LAMA2 (laminin subunit alpha 2; plus strand). Cytogenetic location: 6q22.33.
Variant type: single nucleotide variant.
Coding change: c.244C>T on transcript NM_000426.4 (MANE Select); coding-DNA position 244, C replaced by T.
Protein change: p.Gln82Ter; replaces glutamine 82 with a stop codon.
Molecular consequence: nonsense.
Genome position (GRCh38, 1-based): chr6:129,050,049, C>T. VCF-style: chr6-129050049-C-T. GRCh37 (hg19) VCF-style: chr6-129371194-C-T.
Other names: c.244C>T, p.Gln82Ter (NM_001079823.2); short protein forms Q82*.
Identifiers: ClinVar variation 1929388 (VCV001929388.5), dbSNP rs2482238214, ClinGen allele CA365828667.
Genomic context (GRCh38, chr6:129,050,049, plus strand): 5'-GGACCTGAAATGTACTGCAAATTGGTAGAACATGTCCCTGGGCAGCCTGTGAGGAACCCG[C>T]AGTGTCGAATCTGCAATCAAAACAGCAGCAATCCAAACCGTATGTATTTTAGTGTGTAGG-3'